The following is an entry in ClinVar:

ClinVar aggregate classification (germline): Likely benign (0 of 4 stars; one submission).

Conditions:
MSTO1-related disorder. Also called: MSTO1‑Related Disease.

Allele frequency attached by ClinVar (database versions not stated): gnomAD 0.00002; TOPMed 0.00002; ESP Exome Variant Server 0.00008; gnomAD exomes 0.00001; ExAC 0.00002.
gnomAD v4.1: 10 of 1,596,888 alleles (0.00063%); highest among the groups gnomAD compares: African/African-American, 0.0027%; no homozygotes.

Submission:

PreventionGenetics, part of Exact Sciences
Classification: Likely benign for MSTO1-related condition. Last evaluated: 2020-03-19. Review status: no assertion criteria provided. Collection method: clinical testing. Allele origin: germline.
Comment: This variant is classified as likely benign based on ACMG/AMP sequence variant interpretation guidelines (Richards et al. 2015 PMID: 25741868, with internal and published modifications).

NM_018116.4(MSTO1):c.735G>A (p.Ala245=)

Gene: MSTO1 (misato mitochondrial distribution and morphology regulator 1; plus strand). Cytogenetic location: 1q22.
Variant type: single nucleotide variant.
Coding change: c.735G>A on transcript NM_018116.4 (MANE Select); coding-DNA position 735, G replaced by A.
Protein change: p.Ala245=; no amino-acid change (alanine 245 retained).
Molecular consequence: synonymous variant. On other transcripts: non-coding transcript variant (6).
Genome position (GRCh38, 1-based): chr1:155,612,238, G>A. VCF-style: chr1-155612238-G-A. GRCh37 (hg19) VCF-style: chr1-155582029-G-A.
Other names: c.735G>A, p.Ala245= (NM_001256532.1, NM_001256533.1, NM_001350772.1 and 3 more transcripts); c.570G>A, p.Ala190= (NM_001350776.1); c.204G>A, p.Ala68= (NM_001350777.1, NM_001350778.1, NM_001350779.1); c.201G>A, p.Ala67= (NM_001350780.1, NM_001350781.1, NM_001350782.1 and 3 more transcripts); c.192G>A, p.Ala64= (NM_001350784.1, NM_001350785.1, NM_001350787.1 and 1 more transcripts).
Identifiers: ClinVar variation 3046331 (VCV003046331.2), dbSNP rs145633919, ClinGen allele CA1148001.
Genomic context (GRCh38, chr1:155,612,238, plus strand): 5'-CCAGGGCTTCCAGATCCTGTGTGACCTGCACGATGGCTTCTCTGGGGTAGGCGCGAAGGC[G>A]GCAGAGCTGCTACAAGATGAATATTCAGGGCGGGGAATAATAACCTGGGGCCTGCTACCT-3'
Protein context (NP_060586.2, residues 235-255): HDGFSGVGAK[Ala245=]AELLQDEYSG